The following is an entry in ClinVar:

ClinVar aggregate classification (germline): Uncertain significance (1 of 4 stars; one submission).

Allele frequency attached by ClinVar (database versions not stated): TOPMed 0.00001; gnomAD 0.00001; gnomAD exomes below 0.00001.
gnomAD v4.1: 5 of 1,612,376 alleles (0.00031%); highest among the groups gnomAD compares: African/African-American, 0.0053%; no homozygotes.

Submission:

GeneDx
Classification: Uncertain significance. Last evaluated: 2019-09-27. Review status: criteria provided, single submitter. Criteria: GeneDx Variant Classification Process June 2021. Collection method: clinical testing. Allele origin: germline. Affected: yes.
Comment: Not observed at a significant frequency in large population cohorts (Lek et al., 2016); In silico analysis, which includes protein predictors and evolutionary conservation, supports that this variant does not alter protein structure/function; Has not been previously published as pathogenic or benign to our knowledge

NM_025152.3(NUBPL):c.316G>A (p.Val106Met)

Gene: NUBPL (NUBP iron-sulfur cluster assembly factor, mitochondrial; plus strand). Cytogenetic location: 14q12.
Variant type: single nucleotide variant.
Coding change: c.316G>A on transcript NM_025152.3 (MANE Select); coding-DNA position 316, G replaced by A.
Protein change: p.Val106Met; replaces valine 106 with methionine.
Molecular consequence: missense variant. On other transcripts: non-coding transcript variant (1).
Genome position (GRCh38, 1-based): chr14:31,599,313, G>A. VCF-style: chr14-31599313-G-A. GRCh37 (hg19) VCF-style: chr14-32068519-G-A.
Other names: c.28G>A, p.Val10Met (NM_001201573.2); short protein forms V106M, V10M.
Identifiers: ClinVar variation 1303465 (VCV001303465.2), dbSNP rs1330977334, ClinGen allele CA389480294.